The following is an entry in ClinVar:

NM_199420.4(POLQ):c.1716A>T (p.Arg572Ser)

Gene: POLQ (DNA polymerase theta; minus strand). Cytogenetic location: 3q13.33.
Variant type: single nucleotide variant.
Coding change: c.1716A>T on transcript NM_199420.4 (MANE Select); coding-DNA position 1716, A replaced by T.
Protein change: p.Arg572Ser; replaces arginine 572 with serine.
Molecular consequence: missense variant.
Genome position (GRCh38, 1-based): chr3:121,510,139, T>A on the plus strand (A>T on the coding strand, the complement: POLQ is on the minus strand). VCF-style: chr3-121510139-T-A. GRCh37 (hg19) VCF-style: chr3-121228986-T-A.
Other names: short protein forms R572S.
Identifiers: ClinVar variation 3229856 (VCV003229856.1), dbSNP rs2546802629, ClinGen allele CA354114852.

ClinVar aggregate classification (germline): Uncertain significance (1 of 4 stars; one submission).

Submission:

Ambry Genetics
Classification: Uncertain significance. Last evaluated: 2023-11-12. Review status: criteria provided, single submitter. Criteria: Ambry Variant Classification Scheme 2023. Collection method: clinical testing. Allele origin: germline.
Comment: The p.R572S variant (also known as c.1716A>T), located in coding exon 11 of the POLQ gene, results from an A to T substitution at nucleotide position 1716. The arginine at codon 572 is replaced by serine, an amino acid with dissimilar properties. This amino acid position is conserved. In addition, this alteration is predicted to be tolerated by in silico analysis. Since supporting evidence is limited at this time, the clinical significance of this alteration remains unclear.